The following is an entry in ClinVar:

ClinVar aggregate classification (germline): Likely benign. Review status: criteria provided, multiple submitters, no conflicts (2 of 4 stars). 3 submissions from 3 submitters: Likely benign (2). 1 of the submissions does not count toward it. Last evaluated 2025-03-26.

Conditions:
NPHP4-related disorder. Also called: NPHP4-related disorders; NPHP4-related condition. Identifiers: MedGen CN239384.
Nephronophthisis. Also called: Juvenile Nephronophthisis. Identifiers: Orphanet 655, MedGen C0687120, MONDO:0019005, HP:0000090.

Allele frequency attached by ClinVar (database versions not stated): ESP Exome Variant Server 0.00008.
gnomAD v4.1: 41 of 1,610,342 alleles (0.0025%); highest among the groups gnomAD compares: Non-Finnish European, 0.0032%; no homozygotes.

Submissions (3):

Labcorp Genetics (formerly Invitae), Labcorp
Classification: Likely benign for Nephronophthisis. Last evaluated: 2025-03-26. Review status: criteria provided, single submitter. Criteria: Invitae Variant Classification Sherloc (09022015). Collection method: clinical testing. Allele origin: germline.

Blueprint Genetics
Classification: Likely benign. Last evaluated: 2024-11-18. Review status: criteria provided, single submitter. Criteria: ACMG Guidelines, 2015. Collection method: clinical testing. Allele origin: germline.

PreventionGenetics, part of Exact Sciences
Classification: Likely benign for NPHP4-related condition. Last evaluated: 2022-10-21. Review status: no assertion criteria provided. Collection method: clinical testing. Allele origin: germline. Not counted in ClinVar's aggregate classification.
Comment: This variant is classified as likely benign based on ACMG/AMP sequence variant interpretation guidelines (Richards et al. 2015 PMID: 25741868, with internal and published modifications).

NM_015102.5(NPHP4):c.2253C>T (p.Val751=)

Gene: NPHP4 (nephrocystin 4; minus strand). Cytogenetic location: 1p36.31.
Variant type: single nucleotide variant.
Coding change: c.2253C>T on transcript NM_015102.5 (MANE Select); coding-DNA position 2253, C replaced by T.
Protein change: p.Val751=; no amino-acid change (valine 751 retained).
Molecular consequence: synonymous variant. On other transcripts: non-coding transcript variant (1).
Genome position (GRCh38, 1-based): chr1:5,890,919, G>A on the plus strand (C>T on the coding strand, the complement: NPHP4 is on the minus strand). VCF-style: chr1-5890919-G-A. GRCh37 (hg19) VCF-style: chr1-5950979-G-A.
Other names: c.714C>T, p.Val238= (NM_001291593.2); c.717C>T, p.Val239= (NM_001291594.2).
Identifiers: ClinVar variation 3031024 (VCV003031024.4), dbSNP rs375109277, ClinGen allele CA554223.